The following is an entry in ClinVar:

NM_001360016.2(G6PD):c.1048G>C (p.Asp350His)

Gene: G6PD (glucose-6-phosphate dehydrogenase; minus strand). Cytogenetic location: Xq28.
Variant type: single nucleotide variant.
Coding change: c.1048G>C on transcript NM_001360016.2 (MANE Select); coding-DNA position 1048, G replaced by C.
Protein change: p.Asp350His; replaces aspartic acid 350 with histidine.
Molecular consequence: missense variant.
Genome position (GRCh38, 1-based): chrX:154,532,945, C>G on the plus strand (G>C on the coding strand, the complement: G6PD is on the minus strand). VCF-style: chrX-154532945-C-G. GRCh37 (hg19) VCF-style: chrX-153761160-C-G.
Other names: G6PD Mira d'Aire; c.1138G>C, p.Asp380His (NM_000402.4); c.1048G>C, p.Asp350His (NM_001042351.3); short protein forms D350H, D380H.
Identifiers: ClinVar variation 93489 (VCV000093489.56), dbSNP rs34193178, ClinGen allele CA203726.
Genomic context (GRCh38, chrX:154,532,945, plus strand): 5'-GCCCGCACACAGGGCATGCCCAGTTCTGCCTTGCTGGGCCTCGAAGGCATCACCTACCAT[C>G]CCACCTCTCATTCTCCACATAGAGGACGACGGCTGCAAAAGTGGCGGTGGTGGACCCGCG-3'
Protein context (NP_001346945.1, residues 340-360): VVLYVENERW[Asp350His]GVPFILRCGK

ClinVar aggregate classification (germline): Conflicting classifications of pathogenicity. Review status: criteria provided, conflicting classifications (1 of 4 stars). 9 submissions from 9 submitters: Uncertain significance (4); Likely benign (4). 1 of the submissions does not count toward it. Last evaluated 2026-02-10.

Conditions:
Anemia, nonspherocytic hemolytic, due to G6PD deficiency (CNSHA1). Also called: Class I glucose-6-phosphate dehydrogenase deficiency; Favism, susceptibility to; ANEMIA, CONGENITAL, NONSPHEROCYTIC HEMOLYTIC, 1; Hemolytic anemia due to G6PD deficiency. Identifiers: Orphanet 466026, MedGen C2720289, MONDO:0010480, OMIM 300908.
G6PD deficiency. Also called: G6PD A-. Identifiers: MedGen C2939465, MONDO:0005775.

Allele frequency attached by ClinVar (database versions not stated): gnomAD 0.00105 and 0.00110; 1000 Genomes Project 0.00079; 1000 Genomes Project 30x 0.00062; TOPMed 0.00123; ESP Exome Variant Server 0.00085.
gnomAD v4.1: 252 of 1,210,701 alleles (0.021%); highest among the groups gnomAD compares: African/African-American, 0.36%; no homozygotes.

Submissions (9):

Women's Health and Genetics/Laboratory Corporation of America, LabCorp
Classification: Likely benign. Last evaluated: 2026-02-10. Review status: criteria provided, single submitter. Criteria: LabCorp Variant Classification Summary - May 2015. Collection method: clinical testing. Allele origin: germline.
Comment: Variant summary: G6PD c.1138G>C (p.Asp380His), also reported as c.1048G>C p.Asp350His and/or "Mira d'Aire", results in a non-conservative amino acid change in the encoded protein sequence. Algorithms developed to predict the effect of missense changes on protein structure and function all suggest that this variant is likely to be disruptive. The variant allele was found at a frequency of 0.00046 in 204594 control chromosomes, predominantly at a frequency of 0.0039 within the African or African-American subpopulation in the gnomAD database, including at least 23 hemizygotes. This frequency is not significantly higher than estimated for disease-causing variants in G6PD, however the presence of numerous hemizygous controls suggests this variant is not likely to be associated with severe presentations of G6PD-related conditions. c.1138G>C has been observed in the presumed hemizygous and/or compound heterozygous states in at least 5 individual(s) affected with biochemical features of Glucose 6 Phosphate Dehydrogenase Deficiency or testing positive on newborn screening (example, Bulliamy_1997, Manco_2007, Powers_2018, Manco_2023, Ohlsson_2019), without strong evidence for causality. These report(s) do not provide unequivocal conclusions about association of the variant with Glucose 6 Phosphate Dehydrogenase Deficiency. Three publications report experimental evidence evaluating an impact on protein function in patient samples, however, none of these studies allows convincing conclusions about the variant effect (Powell_2024, Ohlsson_2019, Bulliamy_1997). The following publications have been ascertained in the context of this evaluation (PMID: 9410474, 18056001, 33636823, 36681081, 30658872, 15914531, 36150187, 24787449, 33072997, 28297664, 24944790, 30206300, 22293322, 34551338, 34302047, 35065072, 26448013, 21637675, 32680472, 12064901, 38645242, 21931771, 32702756, 35313643, 37432935, 17611006, 28067620). ClinVar contains an entry for this variant (Variation ID: 93489). Based on the evidence outlined above, the variant was classified as likely benign.

Labcorp Genetics (formerly Invitae), Labcorp
Classification: Likely benign for Anemia, nonspherocytic hemolytic, due to G6PD deficiency. Last evaluated: 2026-01-29. Review status: criteria provided, single submitter. Criteria: Invitae Variant Classification Sherloc (09022015). Collection method: clinical testing. Allele origin: germline.

Revvity Omics, Revvity
Classification: Uncertain significance for Anemia, nonspherocytic hemolytic, due to G6PD deficiency. Last evaluated: 2024-10-22. Review status: criteria provided, single submitter. Criteria: ACMG Guidelines, 2015. Collection method: clinical testing. Allele origin: germline.

Dunham Lab, University of Washington
Classification: Uncertain significance for Anemia, nonspherocytic hemolytic, due to G6PD deficiency. Last evaluated: 2024-09-01. Review status: criteria provided, single submitter. Criteria: ACMG Guidelines, 2015. Collection method: curation. Allele origin: unknown.
Comment: Reported in two hemizygotes with normal G6PD activity in red blood cells (BS3), and in a hemizygote with G6PD deficiency but activity not stated (PP4). Predicted to have reduced function (PP3).

CeGaT Center for Human Genetics Tuebingen
Classification: Likely benign. Last evaluated: 2022-12-01. Review status: criteria provided, single submitter. Criteria: CeGaT Center For Human Genetics Tuebingen Variant Classification Criteria Version 2. Collection method: clinical testing. Allele origin: germline. Affected: yes. Observed: 2 variant alleles.
Comment: G6PD: BS2

Blueprint Genetics
Classification: Uncertain significance. Last evaluated: 2022-08-09. Review status: criteria provided, single submitter. Criteria: ACMG Guidelines, 2015. Collection method: clinical testing. Allele origin: germline.

ARUP Laboratories, Molecular Genetics and Genomics, ARUP Laboratories
Classification: Likely benign. Last evaluated: 2021-10-13. Review status: criteria provided, single submitter. Criteria: ARUP Molecular Germline Variant Investigation Process 2021. Collection method: clinical testing. Allele origin: germline.

Illumina Laboratory Services, Illumina
Classification: Uncertain significance for Glucose 6 phosphate dehydrogenase deficiency. Last evaluated: 2017-04-28. Review status: criteria provided, single submitter. Criteria: ICSL Variant Classification Criteria 13 December 2019. Collection method: clinical testing. Allele origin: germline.
Comment: This variant was observed as part of a predisposition screen in an ostensibly healthy population. A literature search was performed for the gene, cDNA change, and amino acid change (where applicable). Publications were found based on this search. However, the evidence from the literature, in combination with allele frequency data from public databases where available, was not sufficient to rule this variant in or out of causing disease. Therefore, this variant is classified as a variant of unknown significance.

Eurofins Ntd Llc (ga)
Classification: Pathogenic. Last evaluated: 2013-05-13. Review status: flagged submission. Criteria: EGL Classification Definitions. Collection method: clinical testing. Allele origin: germline. Observed: 1 variant allele, 1 heterozygote. Not counted in ClinVar's aggregate classification.
ClinVar note: Reason: Older and outlier claim with insufficient supporting evidence

Literature cited by the submitters: PubMed 9410474 (cited by Women's Health and Genetics/Laboratory Corporation of America, LabCorp and Illumina Laboratory Services, Illumina); PubMed 18056001 (cited by Women's Health and Genetics/Laboratory Corporation of America, LabCorp and Dunham Lab, University of Washington); PubMed 33636823 (cited by Women's Health and Genetics/Laboratory Corporation of America, LabCorp); PubMed 36681081 (cited by Women's Health and Genetics/Laboratory Corporation of America, LabCorp); PubMed 32680472 (cited by Women's Health and Genetics/Laboratory Corporation of America, LabCorp); PubMed 32702756 (cited by Women's Health and Genetics/Laboratory Corporation of America, LabCorp); PubMed 35065072 (cited by Women's Health and Genetics/Laboratory Corporation of America, LabCorp); PubMed 30206300 (cited by Women's Health and Genetics/Laboratory Corporation of America, LabCorp); PubMed 17611006 (cited by Women's Health and Genetics/Laboratory Corporation of America, LabCorp); PubMed 37432935 (cited by Women's Health and Genetics/Laboratory Corporation of America, LabCorp); PubMed 28067620 (cited by Women's Health and Genetics/Laboratory Corporation of America, LabCorp); PubMed 30658872 (cited by Women's Health and Genetics/Laboratory Corporation of America, LabCorp); PubMed 15914531 (cited by Women's Health and Genetics/Laboratory Corporation of America, LabCorp and Illumina Laboratory Services, Illumina); PubMed 24787449 (cited by Women's Health and Genetics/Laboratory Corporation of America, LabCorp); PubMed 28297664 (cited by Women's Health and Genetics/Laboratory Corporation of America, LabCorp); PubMed 24944790 (cited by Women's Health and Genetics/Laboratory Corporation of America, LabCorp); PubMed 22293322 (cited by Women's Health and Genetics/Laboratory Corporation of America, LabCorp); PubMed 35313643 (cited by Women's Health and Genetics/Laboratory Corporation of America, LabCorp); PubMed 34302047 (cited by Women's Health and Genetics/Laboratory Corporation of America, LabCorp); PubMed 34551338 (cited by Women's Health and Genetics/Laboratory Corporation of America, LabCorp); PubMed 26448013 (cited by Women's Health and Genetics/Laboratory Corporation of America, LabCorp); PubMed 21931771 (cited by Women's Health and Genetics/Laboratory Corporation of America, LabCorp and Illumina Laboratory Services, Illumina); PubMed 21637675 (cited by Women's Health and Genetics/Laboratory Corporation of America, LabCorp); PubMed 12064901 (cited by Women's Health and Genetics/Laboratory Corporation of America, LabCorp); PubMed 36150187 (cited by Women's Health and Genetics/Laboratory Corporation of America, LabCorp); PubMed 33072997 (cited by Women's Health and Genetics/Laboratory Corporation of America, LabCorp); PubMed 38645242 (cited by Women's Health and Genetics/Laboratory Corporation of America, LabCorp and Dunham Lab, University of Washington); PubMed 23757202 (cited by Illumina Laboratory Services, Illumina).